The following is an entry in ClinVar:

ClinVar aggregate classification (germline): Uncertain significance (1 of 4 stars; one submission).

Conditions:
Autosomal recessive distal spinal muscular atrophy 1. Also called: SEVERE INFANTILE AXONAL NEUROPATHY WITH RESPIRATORY FAILURE; SPINAL MUSCULAR ATROPHY, DIAPHRAGMATIC; HMN VI; NEURONOPATHY, DISTAL HEREDITARY MOTOR, HARDING TYPE VI; NEUROPATHY, DISTAL HEREDITARY MOTOR, AUTOSOMAL RECESSIVE 1; NEURONOPATHY, SEVERE INFANTILE AXONAL, WITH RESPIRATORY FAILURE. Identifiers: Orphanet 98920, MedGen C1858517, MONDO:0011436, OMIM 604320.
Charcot-Marie-Tooth disease axonal type 2S. Also called: CHARCOT-MARIE-TOOTH NEUROPATHY, TYPE 2S; CHARCOT-MARIE-TOOTH DISEASE, AXONAL, AUTOSOMAL RECESSIVE, TYPE 2S. Identifiers: Orphanet 443073, MedGen C4015349, MONDO:0014511, OMIM 616155.

Allele frequency attached by ClinVar (database versions not stated): gnomAD exomes below 0.00001.

Submission:

Labcorp Genetics (formerly Invitae), Labcorp
Classification: Uncertain significance for Autosomal recessive distal spinal muscular atrophy 1; Charcot-Marie-Tooth disease axonal type 2S. Last evaluated: 2021-08-13. Review status: criteria provided, single submitter. Criteria: Invitae Variant Classification Sherloc (09022015). Collection method: clinical testing. Allele origin: germline.
Comment: This sequence change replaces cysteine with arginine at codon 258 of the IGHMBP2 protein (p.Cys258Arg). The cysteine residue is weakly conserved and there is a large physicochemical difference between cysteine and arginine. This variant is not present in population databases (ExAC no frequency). This variant has not been reported in the literature in individuals affected with IGHMBP2-related conditions. Advanced modeling of protein sequence and biophysical properties (such as structural, functional, and spatial information, amino acid conservation, physicochemical variation, residue mobility, and thermodynamic stability) performed at Invitae indicates that this missense variant is not expected to disrupt IGHMBP2 protein function. In summary, the available evidence is currently insufficient to determine the role of this variant in disease. Therefore, it has been classified as a Variant of Uncertain Significance.

NM_002180.3(IGHMBP2):c.772T>C (p.Cys258Arg)

Gene: IGHMBP2 (immunoglobulin mu DNA binding protein 2; plus strand). Cytogenetic location: 11q13.3.
Variant type: single nucleotide variant.
Coding change: c.772T>C on transcript NM_002180.3 (MANE Select); coding-DNA position 772, T replaced by C.
Protein change: p.Cys258Arg; replaces cysteine 258 with arginine.
Molecular consequence: missense variant.
Genome position (GRCh38, 1-based): chr11:68,914,883, T>C. VCF-style: chr11-68914883-T-C. GRCh37 (hg19) VCF-style: chr11-68682351-T-C.
Other names: short protein forms C258R.
Identifiers: ClinVar variation 1402778 (VCV001402778.5), dbSNP rs1566430083, ClinGen allele CA381644332.
Genomic context (GRCh38, chr11:68,914,883, plus strand): 5'-GTTCTGTGCTGCGCCCCCTCCAACATCGCCGTGGACAATCTGGTGGAGCGCCTGGCTCTG[T>C]GTAAGCAGCGGATTCTGCGCCTGGGACACCCTGCCCGCCTCCTGGAGTCCATTCAGCAGC-3'
Protein context (NP_002171.2, residues 248-268): VDNLVERLAL[Cys258Arg]KQRILRLGHP